The following is an entry in ClinVar:

ClinVar aggregate classification (germline): Pathogenic/Likely pathogenic. Review status: criteria provided, multiple submitters, no conflicts (2 of 4 stars). 4 submissions from 4 submitters: Pathogenic (3); Likely pathogenic (1). Last evaluated 2026-09-09.

Conditions:
Pneumothorax - familial.
Birt-Hogg-Dube syndrome. Also called: Birt Hogg Dubé syndrome. Identifiers: Orphanet 122, MedGen C0346010, MONDO:0800444.
Hereditary cancer-predisposing syndrome. Also called: Hereditary Cancer Syndrome; Tumor predisposition; Hereditary neoplastic syndrome; Neoplastic Syndromes, Hereditary. Identifiers: Orphanet 140162, MedGen C0027672, MeSH D009386, MONDO:0015356.

Submissions (4):

Ambry Genetics
Classification: Pathogenic for Hereditary cancer-predisposing syndrome. Last evaluated: 2026-09-09. Review status: criteria provided, single submitter. Criteria: Ambry Variant Classification Scheme 2023. Collection method: clinical testing. Allele origin: germline.
Comment: The c.171dupG pathogenic mutation, located in coding exon 1 of the FLCN gene, results from a duplication of G at nucleotide position 171, causing a translational frameshift with a predicted alternate stop codon (p.M58Dfs*42). This variant was reported in individual(s) with features consistent with Birt-Hogg-Dube syndrome (Evans MG et al. Cancer Genet, 2025 Apr;292-293:65-68; Ambry internal data). This variant is considered to be rare based on population cohorts in the Genome Aggregation Database (gnomAD). This variant is expected to result in loss of function by premature protein truncation or nonsense-mediated mRNA decay. As such, this variant is interpreted as a disease-causing mutation.

NHS Central & South Genomic Laboratory Hub
Classification: Likely pathogenic for Pneumothorax - familial. Last evaluated: 2025-10-21. Review status: criteria provided, single submitter. Criteria: ACMG Guidelines, 2015. Collection method: clinical testing. Allele origin: germline. Affected: yes.

Labcorp Genetics (formerly Invitae), Labcorp
Classification: Pathogenic for Birt-Hogg-Dube syndrome. Last evaluated: 2025-06-18. Review status: criteria provided, single submitter. Criteria: Invitae Variant Classification Sherloc (09022015). Collection method: clinical testing. Allele origin: germline.
Comment: This sequence change creates a premature translational stop signal (p.Met58Aspfs*42) in the FLCN gene. It is expected to result in an absent or disrupted protein product. Loss-of-function variants in FLCN are known to be pathogenic (PMID: 15852235). This variant is not present in population databases (gnomAD no frequency). This variant has not been reported in the literature in individuals affected with FLCN-related conditions. ClinVar contains an entry for this variant (Variation ID: 279810). For these reasons, this variant has been classified as Pathogenic.

GeneDx
Classification: Pathogenic. Last evaluated: 2022-05-31. Review status: criteria provided, single submitter. Criteria: GeneDx Variant Classification Process June 2021. Collection method: clinical testing. Allele origin: germline. Affected: yes.
Comment: Frameshift variant predicted to result in protein truncation or nonsense mediated decay in a gene for which loss-of-function is a known mechanism of disease; Not observed in large population cohorts (gnomAD)

Literature cited by the submitters: PubMed 39893707 (cited by Ambry Genetics); PubMed 15852235 (cited by Labcorp Genetics (formerly Invitae), Labcorp).

NM_144997.7(FLCN):c.171dup (p.Met58fs)

Gene: FLCN (folliculin; minus strand). Cytogenetic location: 17p11.2.
Variant type: Duplication.
Coding change: c.171dup on transcript NM_144997.7 (MANE Select); coding-DNA position 171, one base duplicated (G; older notation c.171dupG).
Protein change: p.Met58fs; shifts the reading frame from methionine 58.
Molecular consequence: frameshift variant.
Genome position (GRCh38, 1-based): chr17:17,227,967, C duplicated on the plus strand (G on the coding strand, the reverse complement: FLCN is on the minus strand); the first of 2 consecutive C bases (chr17:17,227,967-17,227,968); duplicating either gives the same sequence. VCF-style (leftmost placement, unchanged base first): chr17-17227966-T-TC. GRCh37 (hg19) VCF-style: chr17-17131280-T-TC.
Other names: c.171dupG (NM_144997.5); c.171dup (LRG_325t1); c.171dup, p.Met58fs (NM_001353229.2, NM_001353230.2, NM_001353231.2 and 1 more transcripts); short protein forms M58fs.
Identifiers: ClinVar variation 279810 (VCV000279810.12), dbSNP rs886041203, ClinGen allele CA10603439.